The following is an entry in ClinVar:

ClinVar aggregate classification (germline): Uncertain significance (1 of 4 stars; one submission).

Submission:

Women's Health and Genetics/Laboratory Corporation of America, LabCorp
Classification: Uncertain significance. Last evaluated: 2025-06-03. Review status: criteria provided, single submitter. Criteria: LabCorp Variant Classification Summary - May 2015. Collection method: clinical testing. Allele origin: germline.
Comment: Variant summary: The variant involves the duplication of exons 2-8 in the TBC1D24 gene. A presumed nomenclature of c.(-116+1_-115-1)_(*4773_?)dup has been designated for the purposes of this classification. The variant was absent in 21694 control chromosomes. The available data on variant occurrences in the general population are insufficient to allow any conclusion about variant significance. A similar duplication has been observed in individual(s) affected with TBC1D24-Related Disorders (Coppola_2019). These report(s) do not provide unequivocal conclusions about association of the variant with TBC1D24-Related Disorders. To our knowledge, no experimental evidence demonstrating an impact on protein function has been reported. The following publication have been ascertained in the context of this evaluation (PMID: 30866059). ClinVar contains an entry for this variant (Variation ID: 3243525). Based on the evidence outlined above, the variant was classified as uncertain significance.

Literature cited by the submitters: PubMed 30866059.

NC_000016.9:g.(2525172_2546034)_(2555732_?)dup

Gene: TBC1D24 (TBC1 domain family member 24; plus strand). Cytogenetic location: 16p13.3.
Variant type: Duplication.
Identifiers: ClinVar variation 3907421 (VCV003907421.1).